The following is an entry in ClinVar:

ClinVar aggregate classification (germline): Likely pathogenic (1 of 4 stars; one submission).

gnomAD v4.1: 1 of 1,549,756 alleles (0.000065%); highest among the groups gnomAD compares: Admixed American, 0.002%; no homozygotes.

Submission:

Dasa
Classification: Likely pathogenic. Last evaluated: 2026-03-09. Review status: criteria provided, single submitter. Criteria: DASA Assertion Criteria. Collection method: clinical testing. Allele origin: germline.
Comment: NM_001142864.4(PIEZO1):c.5806C>T (p.Gln1936*) is a nonsense variant in PIEZO1 predicted to introduce a premature termination codon and is predicted to result in an absent or altered protein product. Loss of function is an established disease mechanism for PIEZO1-associated disorders. Also, this variant is rare in population databases. Based on the currently available evidence, this variant is classified as likely pathogenic.

NM_001142864.4(PIEZO1):c.5806C>T (p.Gln1936Ter)

Gene: PIEZO1 (piezo type mechanosensitive ion channel component 1 (Er blood group); minus strand). Cytogenetic location: 16q24.3.
Variant type: single nucleotide variant.
Coding change: c.5806C>T on transcript NM_001142864.4 (MANE Select); coding-DNA position 5806, C replaced by T.
Protein change: p.Gln1936Ter; replaces glutamine 1936 with a stop codon.
Molecular consequence: nonsense.
Genome position (GRCh38, 1-based): chr16:88,720,528, G>A on the plus strand (C>T on the coding strand, the complement: PIEZO1 is on the minus strand). VCF-style: chr16-88720528-G-A. GRCh37 (hg19) VCF-style: chr16-88786936-G-A.
Other names: short protein forms Q1936*.
Identifiers: ClinVar variation 4883897 (VCV004883897.2).